The following is an entry in ClinVar:

ClinVar aggregate classification (germline): Pathogenic. Review status: criteria provided, single submitter (1 of 4 stars). 2 submissions from 2 submitters: Pathogenic (1). 1 of the submissions does not count toward it. Last evaluated 2022-03-19.

Conditions:
Early-infantile DEE. Also called: Early infantile epileptic encephalopathy with suppression bursts; Ohtahara syndrome; Early infantile epileptic encephalopathy. Identifiers: Orphanet 1934, MedGen C0393706, MONDO:0800491.
Seizures, benign familial neonatal, 1. Also called: Benign Neonatal Epilepsy 1; KCNQ2-Related Benign Familial Neonatal Epilepsy; KCNQ2-Related Self-Limited Familial Neonatal Epilepsy (SLFNE); Seizures, benign neonatal, 1. Identifiers: Orphanet 1949, MedGen C3149074, MONDO:0007365, OMIM 121200.

Submissions (2):

Labcorp Genetics (formerly Invitae), Labcorp
Classification: Pathogenic for Early-infantile DEE. Last evaluated: 2022-03-19. Review status: criteria provided, single submitter. Criteria: Invitae Variant Classification Sherloc (09022015). Collection method: clinical testing. Allele origin: germline.
Comment: ClinVar contains an entry for this variant (Variation ID: 21757). For these reasons, this variant has been classified as Pathogenic. Experimental studies have shown that this missense change affects KCNQ2 function (PMID: 19559753). Advanced modeling of protein sequence and biophysical properties (such as structural, functional, and spatial information, amino acid conservation, physicochemical variation, residue mobility, and thermodynamic stability) performed at Invitae indicates that this missense variant is expected to disrupt KCNQ2 protein function. This missense change has been observed in individual(s) with benign familial neonatal convulsions and neonatal seizures (PMID: 19559753; Invitae). In at least one individual the variant was observed to be de novo. This variant is not present in population databases (gnomAD no frequency). This sequence change replaces threonine, which is neutral and polar, with lysine, which is basic and polar, at codon 359 of the KCNQ2 protein (p.Thr359Lys).

GeneReviews
No classification provided. Condition: Seizures, benign familial neonatal, 1. Review status: no classification provided. Collection method: literature only. Allele origin: germline. Affected: yes. Not counted in ClinVar's aggregate classification.
Comment: BFNE (benign familial neonatal epilepsy)

Functional effect: Slight rightward shift in current voltage-dependence; reduction in current amplitude in heteromeric channels; decrease in current activation kinetics

Literature cited by the submitters: PubMed 19559753 (cited by Labcorp Genetics (formerly Invitae), Labcorp and GeneReviews); NCBI Bookshelf NBK32534 (cited by GeneReviews).

NM_172107.4(KCNQ2):c.1076C>A (p.Thr359Lys)

Gene: KCNQ2 (potassium voltage-gated channel subfamily Q member 2; minus strand). Cytogenetic location: 20q13.33.
Variant type: single nucleotide variant.
Coding change: c.1076C>A on transcript NM_172107.4 (MANE Select); coding-DNA position 1076, C replaced by A.
Protein change: p.Thr359Lys; replaces threonine 359 with lysine.
Molecular consequence: missense variant.
Genome position (GRCh38, 1-based): chr20:63,433,851, G>T on the plus strand (C>A on the coding strand, the complement: KCNQ2 is on the minus strand). VCF-style: chr20-63433851-G-T. GRCh37 (hg19) VCF-style: chr20-62065204-G-T.
Other names: c.1076C>A, p.Thr359Lys (NM_004518.6, NM_172106.3, NM_172108.5 and 1 more transcripts); short protein forms T359K.
Identifiers: ClinVar variation 21757 (VCV000021757.10), dbSNP rs118192219, ClinGen allele CA342462.
Genomic context (GRCh38, chr20:63,433,851, plus strand): 5'-GGTGCCCGGCGGCGGTACCTGTACATGGGCACGGTGACCGTTCGCTCGTAGTACTGCCAC[G>T]TGGAGTGCAGGTCTGTGCGCGAGAGGTTGGTGGCGTAGAATCTCCAGGCCGACTGCGGAG-3'
Protein context (NP_742105.1, residues 349-369): TNLSRTDLHS[Thr359Lys]WQYYERTVTV